The following is an entry in ClinVar:

ClinVar aggregate classification (germline): Likely benign. Review status: criteria provided, multiple submitters, no conflicts (2 of 4 stars). 2 submissions from 2 submitters: Likely benign (2). Last evaluated 2020-10-15.

Conditions:
Cardiovascular phenotype. Identifiers: MedGen CN230736.

Allele frequency attached by ClinVar (database versions not stated): gnomAD exomes below 0.00001; TOPMed below 0.00001.
gnomAD v4.1: 1 of 1,613,380 alleles (0.000062%); highest among the groups gnomAD compares: East Asian, 0.0022%; no homozygotes.

Submissions (2):

Ambry Genetics
Classification: Likely benign for Cardiovascular phenotype. Last evaluated: 2020-10-15. Review status: criteria provided, single submitter. Criteria: Ambry Variant Classification Scheme 2023. Collection method: clinical testing. Allele origin: germline.

GeneDx
Classification: Likely benign. Last evaluated: 2017-07-31. Review status: criteria provided, single submitter. Criteria: GeneDx Variant Classification (06012015). Collection method: clinical testing. Allele origin: germline. Affected: yes.
Comment: This variant is considered likely benign or benign based on one or more of the following criteria: it is a conservative change, it occurs at a poorly conserved position in the protein, it is predicted to be benign by multiple in silico algorithms, and/or has population frequency not consistent with disease.

NM_001267550.2(TTN):c.79698C>T (p.Leu26566=)

Genes: TTN (titin; minus strand), TTN-AS1 (TTN antisense RNA 1; plus strand). Cytogenetic location: 2q31.2.
Variant type: single nucleotide variant.
Coding change: c.79698C>T on transcript NM_001267550.2 (MANE Select); coding-DNA position 79698, C replaced by T.
Protein change: p.Leu26566=; no amino-acid change (leucine 26566 retained).
Molecular consequence: synonymous variant.
Genome position (GRCh38, 1-based): chr2:178,566,434, G>A on the plus strand (C>T on the coding strand, the complement: TTN is on the minus strand). VCF-style: chr2-178566434-G-A. GRCh37 (hg19) VCF-style: chr2-179431161-G-A.
Other names: c.74775C>T, p.Leu24925= (NM_001256850.1); c.52503C>T, p.Leu17501= (NM_003319.4); c.71994C>T, p.Leu23998= (NM_133378.4); c.52878C>T, p.Leu17626= (NM_133432.3); c.53079C>T, p.Leu17693= (NM_133437.4).
Identifiers: ClinVar variation 511233 (VCV000511233.3), dbSNP rs1553588235, ClinGen allele CA430252101.
Genomic context (GRCh38, chr2:178,566,434, plus strand): 5'-TTTATCTTCTGGTTTCACAGTACCAGGAACTGATGTAGCCTCACCTAAACCAACTTTGTT[G>A]AGGGCACAGACTCGTATTTTATACTCTTGGTGTTCAGTGAGTTTTGAAATTTCAAATCGA-3'
Protein context (NP_001254479.2, residues 26556-26576): HQEYKIRVCA[Leu26566=]NKVGLGEATS